The following is an entry in ClinVar:

ClinVar aggregate classification (germline): Uncertain significance (1 of 4 stars; one submission).

Submission:

GeneDx
Classification: Uncertain significance. Last evaluated: 2026-02-02. Review status: criteria provided, single submitter. Criteria: GeneDx Variant Classification Process June 2021. Collection method: clinical testing. Allele origin: germline.
Comment: Not observed at significant frequency in large population cohorts (gnomAD); In silico analysis suggests that this missense variant does not alter protein structure/function; Has not been previously published as pathogenic or benign to our knowledge

NM_014363.6(SACS):c.3793G>A (p.Glu1265Lys)

Gene: SACS (sacsin molecular chaperone; minus strand). Cytogenetic location: 13q12.12.
Variant type: single nucleotide variant.
Coding change: c.3793G>A on transcript NM_014363.6 (MANE Select); coding-DNA position 3793, G replaced by A.
Protein change: p.Glu1265Lys; replaces glutamic acid 1265 with lysine.
Molecular consequence: missense variant.
Genome position (GRCh38, 1-based): chr13:23,340,083, C>T on the plus strand (G>A on the coding strand, the complement: SACS is on the minus strand). VCF-style: chr13-23340083-C-T. GRCh37 (hg19) VCF-style: chr13-23914222-C-T.
Other names: c.3352G>A, p.Glu1118Lys (NM_001278055.2); c.3820G>A, p.Glu1274Lys (NM_001437336.1); short protein forms E1118K, E1265K, E1274K.
Identifiers: ClinVar variation 4975828 (VCV004975828.1).
Genomic context (GRCh38, chr13:23,340,083, plus strand): 5'-AAAACTTTTTGCCAGTCCAAACCCATGGAAATTTTAAGGCTCTAAAAGAATCTTTCCCTT[C>T]ATTTAGATGATCATGCATGAATCCGTAAATCTCAAGCAAAATATGCTGGAATTGATAGTA-3'
Protein context (NP_055178.3, residues 1255-1275): IYGFMHDHLN[Glu1265Lys]GKDSFRALKF